The following is an entry in ClinVar:

NM_001369268.1(ACAN):c.1031A>G (p.Tyr344Cys)

Gene: ACAN (aggrecan; plus strand). Cytogenetic location: 15q26.1.
Variant type: single nucleotide variant.
Coding change: c.1031A>G on transcript NM_001369268.1 (MANE Select); coding-DNA position 1031, A replaced by G.
Protein change: p.Tyr344Cys; replaces tyrosine 344 with cysteine.
Molecular consequence: missense variant.
Genome position (GRCh38, 1-based): chr15:88,843,628, A>G. VCF-style: chr15-88843628-A-G. GRCh37 (hg19) VCF-style: chr15-89386859-A-G.
Other names: c.1031A>G, p.Tyr344Cys (NM_001135.4, NM_001411096.1, NM_001411097.1 and 1 more transcripts); short protein forms Y344C.
Identifiers: ClinVar variation 2888191 (VCV002888191.3), dbSNP rs774462118, ClinGen allele CA7719431.

ClinVar aggregate classification (germline): Uncertain significance (1 of 4 stars; one submission).

Allele frequency attached by ClinVar (database versions not stated): gnomAD 0.00001; gnomAD exomes 0.00001; TOPMed 0.00002; ExAC 0.00003.
gnomAD v4.1: 16 of 1,584,986 alleles (0.001%); highest among the groups gnomAD compares: Admixed American, 0.0017%; no homozygotes.

Submission:

Labcorp Genetics (formerly Invitae), Labcorp
Classification: Uncertain significance. Last evaluated: 2026-01-21. Review status: criteria provided, single submitter. Criteria: Invitae Variant Classification Sherloc (09022015). Collection method: clinical testing. Allele origin: germline.
Comment: This sequence change replaces tyrosine, which is neutral and polar, with cysteine, which is neutral and slightly polar, at codon 344 of the ACAN protein (p.Tyr344Cys). This variant is present in population databases (rs774462118, gnomAD 0.006%). This variant has not been reported in the literature in individuals affected with ACAN-related conditions. ClinVar contains an entry for this variant (Variation ID: 2888191). Invitae Evidence Modeling of protein sequence and biophysical properties (such as structural, functional, and spatial information, amino acid conservation, physicochemical variation, residue mobility, and thermodynamic stability) indicates that this missense variant is not expected to disrupt ACAN protein function with a negative predictive value of 80%. In summary, the available evidence is currently insufficient to determine the role of this variant in disease. Therefore, it has been classified as a Variant of Uncertain Significance.